The following is an entry in ClinVar:

ClinVar aggregate classification (germline): Benign/Likely benign. Review status: criteria provided, multiple submitters, no conflicts (2 of 4 stars). 9 submissions from 9 submitters: Benign (4); Likely benign (3). 2 of the submissions do not count toward it. Last evaluated 2026-02-04.

Conditions:
Familial dysautonomia. Also called: FD; HSAN III. Identifiers: Orphanet 1764, MedGen C0013364, MONDO:0009131, OMIM 223900. Disease mechanism: loss of function.

Allele frequency attached by ClinVar (database versions not stated): 1000 Genomes Project 30x 0.00593; 1000 Genomes Project 0.00599; TOPMed 0.01425; gnomAD 0.01565 and 0.01614; ESP Exome Variant Server 0.01707; gnomAD exomes 0.01707; ExAC 0.01822.

Submissions (9):

Labcorp Genetics (formerly Invitae), Labcorp
Classification: Benign. Last evaluated: 2026-02-04. Review status: criteria provided, single submitter. Criteria: Invitae Variant Classification Sherloc (09022015). Collection method: clinical testing. Allele origin: germline.

ARUP Laboratories, Molecular Genetics and Genomics, ARUP Laboratories
Classification: Benign. Last evaluated: 2025-04-21. Review status: criteria provided, single submitter. Criteria: ARUP Molecular Germline Variant Investigation Process 2024. Collection method: clinical testing. Allele origin: germline.

Women's Health and Genetics/Laboratory Corporation of America, LabCorp
Classification: Benign. Last evaluated: 2023-03-28. Review status: criteria provided, single submitter. Criteria: LabCorp Variant Classification Summary - May 2015. Collection method: clinical testing. Allele origin: germline.

Illumina Laboratory Services, Illumina
Classification: Likely benign for Familial dysautonomia. Last evaluated: 2018-01-13. Review status: criteria provided, single submitter. Criteria: ICSL Variant Classification Criteria 13 December 2019. Collection method: clinical testing. Allele origin: germline.
Comment: This variant was observed in the ICSL laboratory as part of a predisposition screen in an ostensibly healthy population. It had not been previously curated by ICSL or reported in the Human Gene Mutation Database (HGMD: prior to June 1st, 2018), and was therefore a candidate for classification through an automated scoring system. Utilizing variant allele frequency, disease prevalence and penetrance estimates, and inheritance mode, an automated score was calculated to assess if this variant is too frequent to cause the disease. Based on the score and internal cut-off values, a variant classified as likely benign is not then subjected to further curation. The score for this variant resulted in a classification of likely benign for this disease.

Genome Diagnostics Laboratory, University Medical Center Utrecht
Classification: Likely benign for Familial dysautonomia. Last evaluated: 2014-10-09. Review status: criteria provided, single submitter. Criteria: ACGS Guidelines, 2013. Collection method: clinical testing. Allele origin: germline. Affected: yes. Study: VKGL Data-share Consensus.

GeneDx
Classification: Benign. Last evaluated: 2014-04-03. Review status: criteria provided, single submitter. Criteria: GeneDx Variant Classification (06012015). Collection method: clinical testing. Allele origin: germline. Affected: yes.
Comment: This variant is considered likely benign or benign based on one or more of the following criteria: it is a conservative change, it occurs at a poorly conserved position in the protein, it is predicted to be benign by multiple in silico algorithms, and/or has population frequency not consistent with disease.

Breakthrough Genomics
Classification: Likely benign. Review status: criteria provided, single submitter. Criteria: ACMG Guidelines, 2015. Collection method: not provided. Allele origin: germline. Inheritance: Autosomal recessive inheritance. Affected: yes.

Natera, Inc.
Classification: Benign for Familial dysautonomia. Last evaluated: 2020-09-16. Review status: no assertion criteria provided. Collection method: clinical testing. Allele origin: germline. Not counted in ClinVar's aggregate classification.

Clinical Genetics, Academic Medical Center
Classification: Benign. Review status: no assertion criteria provided. Collection method: clinical testing. Allele origin: germline. Affected: yes. Study: VKGL Data-share Consensus. Not counted in ClinVar's aggregate classification.

NM_003640.5(ELP1):c.2587+14C>T

Gene: ELP1 (elongator acetyltransferase complex subunit 1; minus strand). Cytogenetic location: 9q31.3.
Variant type: single nucleotide variant.
Coding change: c.2587+14C>T on transcript NM_003640.5 (MANE Select); 14 bases into the intron after coding-DNA position 2587, C replaced by T.
Molecular consequence: intron variant.
Genome position (GRCh38, 1-based): chr9:108,896,939, G>A on the plus strand (C>T on the coding strand, the complement: ELP1 is on the minus strand). VCF-style: chr9-108896939-G-A. GRCh37 (hg19) VCF-style: chr9-111659219-G-A.
Other names: c.2587+14C>T (LRG_251t1, NM_003640.4); c.2245+14C>T (NM_001318360.2); c.1540+14C>T (NM_001330749.2).
Identifiers: ClinVar variation 137580 (VCV000137580.29), dbSNP rs141670242, ClinGen allele CA291232.
Genomic context (GRCh38, chr9:108,896,939, plus strand): 5'-GGTGATTGTCACCTGCAGAAGACTAGTAGCAGTCACGGCCACCTTAAGCACTTTCTCTGT[G>A]AGCGGATCTCTACCTTGAAGCTCGTGTACTTTTTGCAGTACAATTTCCAGTTCTGGGGTT-3'